The following is an entry in ClinVar:

NM_213599.3(ANO5):c.2445C>T (p.Asp815=)

Gene: ANO5 (anoctamin 5; plus strand). Cytogenetic location: 11p14.3.
Variant type: single nucleotide variant.
Coding change: c.2445C>T on transcript NM_213599.3 (MANE Select); coding-DNA position 2445, C replaced by T.
Protein change: p.Asp815=; no amino-acid change (aspartic acid 815 retained).
Molecular consequence: synonymous variant.
Genome position (GRCh38, 1-based): chr11:22,276,124, C>T. VCF-style: chr11-22276124-C-T. GRCh37 (hg19) VCF-style: chr11-22297670-C-T.
Other names: c.2442C>T, p.Asp814= (NM_001142649.2).
Identifiers: ClinVar variation 772536 (VCV000772536.11), dbSNP rs774160498, ClinGen allele CA5923584.

ClinVar aggregate classification (germline): Likely benign. Review status: criteria provided, multiple submitters, no conflicts (2 of 4 stars). 4 submissions from 4 submitters: Likely benign (4). Last evaluated 2026-09-01.

Conditions:
Gnathodiaphyseal dysplasia (GDD). Also called: GNATHODIAPHYSEAL SCLEROSIS; OSTEOGENESIS IMPERFECTA WITH UNUSUAL SKELETAL LESIONS. Identifiers: Orphanet 53697, MedGen C1833736, MONDO:0008151, OMIM 166260.
Autosomal recessive limb-girdle muscular dystrophy type 2L (LGMDR12). Also called: MUSCULAR DYSTROPHY, LIMB-GIRDLE, AUTOSOMAL RECESSIVE 12; Limb-Girdle Muscular Dystrophy R12 Anoctamin-5-Related (LGMD-R12); Limb-girdle muscular dystrophy, type 2L. Identifiers: Orphanet 206549, MedGen C1969785, MONDO:0012652, OMIM 611307.
Inborn genetic diseases. Identifiers: MedGen C0950123, MeSH D030342.

Allele frequency attached by ClinVar (database versions not stated): TOPMed 0.00003; gnomAD 0.00006.
gnomAD v4.1: 51 of 1,609,910 alleles (0.0032%); highest among the groups gnomAD compares: East Asian, 0.034%; no homozygotes.

Submissions (4):

CeGaT Center for Human Genetics Tuebingen
Classification: Likely benign. Last evaluated: 2026-09-01. Review status: criteria provided, single submitter. Criteria: CeGaT Center For Human Genetics Tuebingen Variant Classification Criteria Version 2. Collection method: clinical testing. Allele origin: germline. Affected: yes. Observed: 1 variant allele.
Comment: ANO5: BP4, BP7

Ambry Genetics
Classification: Likely benign for Inborn genetic diseases. Last evaluated: 2024-12-06. Review status: criteria provided, single submitter. Criteria: Ambry Variant Classification Scheme 2023. Collection method: clinical testing. Allele origin: germline.

Blueprint Genetics
Classification: Likely benign. Last evaluated: 2024-11-21. Review status: criteria provided, single submitter. Criteria: ACMG Guidelines, 2015. Collection method: clinical testing. Allele origin: germline.

Labcorp Genetics (formerly Invitae), Labcorp
Classification: Likely benign for Autosomal recessive limb-girdle muscular dystrophy type 2L; Gnathodiaphyseal dysplasia. Last evaluated: 2023-11-20. Review status: criteria provided, single submitter. Criteria: Invitae Variant Classification Sherloc (09022015). Collection method: clinical testing. Allele origin: germline.